The following is an entry in ClinVar:

NM_024675.4(PALB2):c.3327T>A (p.Cys1109Ter)

Gene: PALB2 (partner and localizer of BRCA2; minus strand). Cytogenetic location: 16p12.2.
Variant type: single nucleotide variant.
Coding change: c.3327T>A on transcript NM_024675.4 (MANE Select); coding-DNA position 3327, T replaced by A.
Protein change: p.Cys1109Ter; replaces cysteine 1109 with a stop codon.
Molecular consequence: nonsense. On other transcripts: intron variant (8).
Genome position (GRCh38, 1-based): chr16:23,607,887, A>T on the plus strand (T>A on the coding strand, the complement: PALB2 is on the minus strand). VCF-style: chr16-23607887-A-T. GRCh37 (hg19) VCF-style: chr16-23619208-A-T.
Other names: c.3267T>A, p.Cys1089Ter (NM_001407296.1); c.3255T>A, p.Cys1085Ter (NM_001407297.1); c.3165T>A, p.Cys1055Ter (NM_001407298.1); c.3048T>A, p.Cys1016Ter (NM_001407300.1); c.2442T>A, p.Cys814Ter (NM_001407304.1, NM_001407305.1, NM_001407306.1); c.2280T>A, p.Cys760Ter (NM_001407307.1); c.1539T>A, p.Cys513Ter (NM_001407312.1); c.861T>A, p.Cys287Ter (NM_001407314.1); and 6 more; short protein forms C1016*, C1055*, C1085*, C1089*, C1109*, C287*, C513*, C760*.
Identifiers: ClinVar variation 2687483 (VCV002687483.1), dbSNP rs2142271504, ClinGen allele CA395139353.

ClinVar aggregate classification (germline): Pathogenic (1 of 4 stars; one submission).

Conditions:
Hereditary breast ovarian cancer syndrome. Also called: Hereditary breast and ovarian cancer syndrome (HBOC); Breast and ovarian cancer; Hereditary breast and ovarian cancer; Hereditary breast and ovarian cancer syndrome; BRCA1- and BRCA2-Associated Hereditary Breast and Ovarian Cancer; Hereditary breast and/or ovarian cancer syndrome. Identifiers: Orphanet 145, MedGen C0677776, MeSH D061325, MONDO:0003582. Disease mechanism: loss of function.

Submission:

German Consortium for Hereditary Breast and Ovarian Cancer, University Hospital Cologne
Classification: Pathogenic for Hereditary breast ovarian cancer syndrome. Last evaluated: 2024-01-09. Review status: criteria provided, single submitter. Criteria: ClinGen PALB2 V1.0.0. Collection method: curation. Allele origin: germline.
Comment: . According to the ClinGen ACMG PALB2 v1.0.0 criteria we chose these criteria: PVS1 (very strong pathogenic): no NMD, truncated region is critical to protein function, nonsense introduces a PTC upstream of p.His1184 , PM2 (supporting pathogenic): not in gnomAD, PM5 (supporting pathogenic): upstream p.H1184